The following is an entry in ClinVar:

ClinVar aggregate classification (germline): Uncertain significance (1 of 4 stars; one submission).

Conditions:
Cardiovascular phenotype. Identifiers: MedGen CN230736.

gnomAD v4.1: 1 of 1,614,026 alleles (0.000062%); highest among the groups gnomAD compares: Non-Finnish European, 0.000085%; no homozygotes.

Submission:

Ambry Genetics
Classification: Uncertain significance for Cardiovascular phenotype. Last evaluated: 2026-06-09. Review status: criteria provided, single submitter. Criteria: Ambry Variant Classification Scheme 2023. Collection method: clinical testing. Allele origin: germline.
Comment: The p.W286C variant (also known as c.858G>T), located in coding exon 1 of the DOLK gene, results from a G to T substitution at nucleotide position 858. The tryptophan at codon 286 is replaced by cysteine, an amino acid with highly dissimilar properties. This amino acid position is conserved. In addition, this alteration is predicted to be deleterious by in silico analysis. Based on the available evidence, the clinical significance of this variant remains unclear.

NM_014908.4(DOLK):c.858G>T (p.Trp286Cys)

Gene: DOLK (dolichol kinase; minus strand). Cytogenetic location: 9q34.11.
Variant type: single nucleotide variant.
Coding change: c.858G>T on transcript NM_014908.4 (MANE Select); coding-DNA position 858, G replaced by T.
Protein change: p.Trp286Cys; replaces tryptophan 286 with cysteine.
Molecular consequence: missense variant.
Genome position (GRCh38, 1-based): chr9:128,946,446, C>A on the plus strand (G>T on the coding strand, the complement: DOLK is on the minus strand). VCF-style: chr9-128946446-C-A. GRCh37 (hg19) VCF-style: chr9-131708725-C-A.
Other names: short protein forms W286C.
Identifiers: ClinVar variation 4870074 (VCV004870074.1).